The following is an entry in ClinVar:

NM_000142.5(FGFR3):c.109G>A (p.Glu37Lys)

Gene: FGFR3 (fibroblast growth factor receptor 3; plus strand). Cytogenetic location: 4p16.3.
Variant type: single nucleotide variant.
Coding change: c.109G>A on transcript NM_000142.5 (MANE Select); coding-DNA position 109, G replaced by A.
Protein change: p.Glu37Lys; replaces glutamic acid 37 with lysine.
Molecular consequence: missense variant. On other transcripts: non-coding transcript variant (1).
Genome position (GRCh38, 1-based): chr4:1,794,043, G>A. VCF-style: chr4-1794043-G-A. GRCh37 (hg19) VCF-style: chr4-1795770-G-A.
Other names: NC_000004.11:g.1795770G>A; c.109G>A, p.Glu37Lys (NM_001163213.2, NM_001354809.2, NM_001354810.2 and 1 more transcripts); short protein forms E37K.
Identifiers: ClinVar variation 435191 (VCV000435191.9), dbSNP rs1553842213, ClinGen allele CA355986253.

ClinVar aggregate classification (germline): Uncertain significance. Review status: criteria provided, multiple submitters, no conflicts (2 of 4 stars). 2 submissions from 2 submitters: Uncertain significance (2). Last evaluated 2020-10-29.

Allele frequency attached by ClinVar (database versions not stated): gnomAD exomes 0.00001; TOPMed 0.00001.
gnomAD v4.1: 15 of 1,397,940 alleles (0.0011%); highest among the groups gnomAD compares: Non-Finnish European, 0.0013%; no homozygotes.

Submissions (3):

GeneDx
Classification: Uncertain significance. Last evaluated: 2020-10-29. Review status: criteria provided, single submitter. Criteria: GeneDx Variant Classification Process June 2021. Collection method: clinical testing. Allele origin: germline. Affected: yes.
Comment: Not observed in large population cohorts (Lek et al., 2016); In silico analysis supports that this missense variant does not alter protein structure/function; Has not been previously published as pathogenic or benign to our knowledge

Genetic Services Laboratory, University of Chicago
Classification: Uncertain significance. Last evaluated: 2016-07-07. Review status: criteria provided, single submitter. Criteria: ACMG Guidelines, 2015. Collection method: clinical testing. Allele origin: germline. Affected: no.

Dr. Peter K. Rogan Lab, Western University
No classification provided (evidence only). Condition: Nonpapillary renal cell carcinoma. Review status: no classification provided. Collection method: in vitro. Allele origin: not applicable. Functional consequence: retained intron. Not counted in ClinVar's aggregate classification.